The following is an entry in ClinVar:

NM_001372.4(DNAH9):c.11458T>C (p.Ser3820Pro)

Gene: DNAH9 (dynein axonemal heavy chain 9; plus strand). Cytogenetic location: 17p12.
Variant type: single nucleotide variant.
Coding change: c.11458T>C on transcript NM_001372.4 (MANE Select); coding-DNA position 11458, T replaced by C.
Protein change: p.Ser3820Pro; replaces serine 3820 with proline.
Molecular consequence: missense variant.
Genome position (GRCh38, 1-based): chr17:11,902,770, T>C. VCF-style: chr17-11902770-T-C. GRCh37 (hg19) VCF-style: chr17-11806087-T-C.
Other names: c.394T>C, p.Ser132Pro (NM_004662.2); c.11458T>C (NM_001372.3); short protein forms S132P, S3820P.
Identifiers: ClinVar variation 2187522 (VCV002187522.4), dbSNP rs1022044815, ClinGen allele CA287986880.

ClinVar aggregate classification (germline): Uncertain significance. Review status: criteria provided, multiple submitters, no conflicts (2 of 4 stars). 2 submissions from 2 submitters: Uncertain significance (2). Last evaluated 2022-04-25.

Conditions:
Inborn genetic diseases. Identifiers: MedGen C0950123, MeSH D030342.

Allele frequency attached by ClinVar (database versions not stated): gnomAD exomes 0.00002; TOPMed 0.00002; gnomAD 0.00003.
gnomAD v4.1: 29 of 1,613,950 alleles (0.0018%); highest among the groups gnomAD compares: South Asian, 0.0055%; no homozygotes.

Submissions (2):

Ambry Genetics
Classification: Uncertain significance for Inborn genetic diseases. Last evaluated: 2022-04-25. Review status: criteria provided, single submitter. Criteria: Ambry Variant Classification Scheme 2023. Collection method: clinical testing. Allele origin: germline.

Labcorp Genetics (formerly Invitae), Labcorp
Classification: Uncertain significance. Last evaluated: 2021-12-20. Review status: criteria provided, single submitter. Criteria: Invitae Variant Classification Sherloc (09022015). Collection method: clinical testing. Allele origin: germline.
Comment: This variant has not been reported in the literature in individuals affected with DNAH9-related conditions. This variant is present in population databases (no rsID available, gnomAD 0.006%). This sequence change replaces serine, which is neutral and polar, with proline, which is neutral and non-polar, at codon 3820 of the DNAH9 protein (p.Ser3820Pro). Algorithms developed to predict the effect of missense changes on protein structure and function are either unavailable or do not agree on the potential impact of this missense change (SIFT: "Tolerated"; PolyPhen-2: "Probably Damaging"; Align-GVGD: "Class C0"). In summary, the available evidence is currently insufficient to determine the role of this variant in disease. Therefore, it has been classified as a Variant of Uncertain Significance.